The following is an entry in ClinVar:

ClinVar aggregate classification (germline): Conflicting classifications of pathogenicity. Review status: criteria provided, conflicting classifications (1 of 4 stars). 3 submissions from 3 submitters: Uncertain significance (1); Likely benign (1). 1 of the submissions does not count toward it. Last evaluated 2024-01-29.

Conditions:
MYO7A-related disorder. Also called: MYO7A-related disorders.

Allele frequency attached by ClinVar (database versions not stated): ExAC 0.00005; TOPMed 0.00006; 1000 Genomes Project 30x 0.00016; gnomAD exomes 0.00001 and below 0.00001; gnomAD 0.00003; 1000 Genomes Project 0.00020.
gnomAD v4.1: 11 of 1,561,948 alleles (0.0007%); highest among the groups gnomAD compares: African/African-American, 0.014%; no homozygotes.

Submissions (3):

Labcorp Genetics (formerly Invitae), Labcorp
Classification: Likely benign. Last evaluated: 2024-01-29. Review status: criteria provided, single submitter. Criteria: Invitae Variant Classification Sherloc (09022015). Collection method: clinical testing. Allele origin: germline.

GeneDx
Classification: Uncertain significance. Last evaluated: 2020-10-15. Review status: criteria provided, single submitter. Criteria: GeneDx Variant Classification Process June 2021. Collection method: clinical testing. Allele origin: germline. Affected: yes.
Comment: In silico analysis, which includes splice predictors and evolutionary conservation, supports that this variant does not alter protein structure/function; Has not been previously published as pathogenic or benign to our knowledge

PreventionGenetics, part of Exact Sciences
Classification: Likely benign for MYO7A-related condition. Last evaluated: 2024-07-25. Review status: no assertion criteria provided. Collection method: clinical testing. Allele origin: germline. Not counted in ClinVar's aggregate classification.
Comment: This variant is classified as likely benign based on ACMG/AMP sequence variant interpretation guidelines (Richards et al. 2015 PMID: 25741868, with internal and published modifications).

NM_000260.4(MYO7A):c.3745C>T (p.Leu1249=)

Gene: MYO7A (myosin VIIA; plus strand). Cytogenetic location: 11q13.5.
Variant type: single nucleotide variant.
Coding change: c.3745C>T on transcript NM_000260.4 (MANE Select); coding-DNA position 3745, C replaced by T.
Protein change: p.Leu1249=; no amino-acid change (leucine 1249 retained).
Molecular consequence: synonymous variant.
Genome position (GRCh38, 1-based): chr11:77,190,134, C>T. VCF-style: chr11-77190134-C-T. GRCh37 (hg19) VCF-style: chr11-76901179-C-T.
Other names: c.3745C>T, p.Leu1249= (NM_001127180.2); c.3712C>T, p.Leu1238= (NM_001369365.1).
Identifiers: ClinVar variation 1102446 (VCV001102446.12), dbSNP rs569293775, ClinGen allele CA6198179.